The following is an entry in ClinVar:

NM_006648.4(WNK2):c.1406G>A (p.Gly469Asp)

Gene: WNK2 (WNK lysine deficient protein kinase 2; plus strand). Cytogenetic location: 9q22.31.
Variant type: single nucleotide variant.
Coding change: c.1406G>A on transcript NM_006648.4 (MANE Select); coding-DNA position 1406, G replaced by A.
Protein change: p.Gly469Asp; replaces glycine 469 with aspartic acid.
Molecular consequence: missense variant.
Genome position (GRCh38, 1-based): chr9:93,239,840, G>A. VCF-style: chr9-93239840-G-A. GRCh37 (hg19) VCF-style: chr9-96002122-G-A.
Other names: c.1406G>A, p.Gly469Asp (NM_001282394.3); short protein forms G469D.
Identifiers: ClinVar variation 3817197 (VCV003817197.1).

ClinVar aggregate classification (germline): Uncertain significance (1 of 4 stars; one submission).

Submission:

Ambry Genetics
Classification: Uncertain significance. Last evaluated: 2025-03-02. Review status: criteria provided, single submitter. Criteria: Ambry Variant Classification Scheme 2023. Collection method: clinical testing. Allele origin: germline.
Comment: The p.G469D variant (also known as c.1406G>A), located in coding exon 6 of the WNK2 gene, results from a G to A substitution at nucleotide position 1406. The glycine at codon 469 is replaced by aspartic acid, an amino acid with similar properties. This amino acid position is conserved. In addition, the in silico prediction for this alteration is inconclusive. Based on the available evidence, the clinical significance of this variant remains unclear.